The following is an entry in ClinVar:

NC_000015.9:g.(?_67546897)_(67571850_?)del

Genes: AAGAB (alpha and gamma adaptin binding protein; minus strand), IQCH (IQ motif containing H; plus strand). Cytogenetic location: 15q23.
Variant type: Deletion.
Identifiers: ClinVar variation 1069866 (VCV001069866.5).

ClinVar aggregate classification (germline): Pathogenic (1 of 4 stars; one submission).

Submission:

Labcorp Genetics (formerly Invitae), Labcorp
Classification: Pathogenic. Last evaluated: 2022-07-27. Review status: criteria provided, single submitter. Criteria: Invitae Variant Classification Sherloc (09022015). Collection method: clinical testing. Allele origin: germline.
Comment: This variant is a gross deletion of the genomic region encompassing exon(s) 1 of the AAGAB gene, which includes the initiator codon. This deletion extends beyond the assayed region for this gene and therefore may encompass additional genes. It is expected to result in an absent or disrupted protein product. Loss-of-function variants in AAGAB are known to be pathogenic (PMID: 23000146, 23064416, 23563198, 23633024, 24390136). This variant has not been reported in the literature in individuals affected with AAGAB-related conditions. For these reasons, this variant has been classified as Pathogenic.

Literature cited by the submitters: PubMed 23000146; PubMed 23064416; PubMed 23563198; PubMed 23633024; PubMed 24390136.